The following is an entry in ClinVar:

ClinVar aggregate classification (germline): Likely benign (1 of 4 stars; one submission).

Conditions:
LRRC45-related disorder. Also called: LRRC45-related condition.

gnomAD v4.1: 3 of 1,568,378 alleles (0.00019%); highest among the groups gnomAD compares: Non-Finnish European, 0.000086%; no homozygotes.

Submission:

PreventionGenetics, part of Exact Sciences
Classification: Likely benign for LRRC45-related condition. Last evaluated: 2025-10-28. Review status: criteria provided, single submitter. Criteria: ACMG Guidelines, 2015. Collection method: clinical testing. Allele origin: germline.
Comment: This variant is classified as likely benign based on ACMG/AMP sequence variant interpretation guidelines (Richards et al. 2015 PMID: 25741868, with internal and published modifications).

NM_144999.4(LRRC45):c.150G>A (p.Leu50=)

Gene: LRRC45 (leucine rich repeat containing 45; plus strand). Cytogenetic location: 17q25.3.
Variant type: single nucleotide variant.
Coding change: c.150G>A on transcript NM_144999.4 (MANE Select); coding-DNA position 150, G replaced by A.
Protein change: p.Leu50=; no amino-acid change (leucine 50 retained).
Molecular consequence: synonymous variant.
Genome position (GRCh38, 1-based): chr17:82,023,793, G>A. VCF-style: chr17-82023793-G-A. GRCh37 (hg19) VCF-style: chr17-79981669-G-A.
Identifiers: ClinVar variation 4988477 (VCV004988477.1).
Genomic context (GRCh38, chr17:82,023,793, plus strand): 5'-TCCCAGGGGCCGGCTGGACCTGGCCACGCAAAGCCTGACGGTGGAGACCTGCAGGGCCCT[G>A]GGCAAGCTGCTGCCGAGGGAGACGCTGTGCACGGAGCTGGTCCTGAGTGACTGCATGCTC-3'
Protein context (NP_659436.1, residues 40-60): QSLTVETCRA[Leu50=]GKLLPRETLC